The following is an entry in ClinVar:

ClinVar aggregate classification (germline): Uncertain significance. Review status: criteria provided, multiple submitters, no conflicts (2 of 4 stars). 2 submissions from 2 submitters: Uncertain significance (2). Last evaluated 2022-04-18.

Conditions:
Autoinflammatory syndrome. Identifiers: Orphanet 93665, MedGen C3890737, MONDO:0019751.

Submissions (2):

Mayo Clinic Laboratories, Mayo Clinic
Classification: Uncertain significance. Last evaluated: 2022-04-18. Review status: criteria provided, single submitter. Criteria: ACMG Guidelines, 2015. Collection method: clinical testing. Allele origin: germline. Observed: 1 variant allele.
Comment: BP4, PM2

Genome Diagnostics Laboratory, The Hospital for Sick Children
Classification: Uncertain significance for Autoinflammatory syndrome. Last evaluated: 2020-09-04. Review status: criteria provided, single submitter. Criteria: ACMG Guidelines, 2015. Collection method: clinical testing. Allele origin: germline. Affected: yes.

NM_000081.4(LYST):c.9064A>G (p.Ser3022Gly)

Gene: LYST (lysosomal trafficking regulator; minus strand). Cytogenetic location: 1q42.3.
Variant type: single nucleotide variant.
Coding change: c.9064A>G on transcript NM_000081.4 (MANE Select); coding-DNA position 9064, A replaced by G.
Protein change: p.Ser3022Gly; replaces serine 3022 with glycine.
Molecular consequence: missense variant.
Genome position (GRCh38, 1-based): chr1:235,729,638, T>C on the plus strand (A>G on the coding strand, the complement: LYST is on the minus strand). VCF-style: chr1-235729638-T-C. GRCh37 (hg19) VCF-style: chr1-235892938-T-C.
Other names: p.Ser3022Gly; c.9064A>G, p.Ser3022Gly (NM_001301365.1); short protein forms S3022G.
Identifiers: ClinVar variation 1694328 (VCV001694328.4), dbSNP rs2103201639, ClinGen allele CA344948755.